The following is an entry in ClinVar:

ClinVar aggregate classification (germline): Pathogenic (1 of 4 stars; one submission).

Conditions:
Glycogen storage disease, type II (IOPD). Also called: Glucosidase acid-1,4-alpha deficiency; Pompe Disease; Glycogen storage disease type 2; Acid maltase deficiency disease; Aglucosidase alfa; Deficiency of alpha-glucosidase. Identifiers: Orphanet 365, MedGen C0017921, MONDO:0009290, OMIM 232300.
Glycogen storage disease due to acid maltase deficiency, late-onset (LOPD). Also called: ACID ALPHA-GLUCOSIDASE DEFICIENCY, LATE-ONSET; GAA DEFICIENCY, LATE-ONSET; ACID MALTASE DEFICIENCY, LATE-ONSET; AMD, LATE-ONSET; POMPE DISEASE, LATE-ONSET; GLYCOGEN STORAGE DISEASE II, LATE-ONSET. Identifiers: Orphanet 420429, MedGen C0342753, MONDO:0018485, OMIM 621314.

gnomAD v4.1: 1 of 1,610,608 alleles (0.000062%); highest among the groups gnomAD compares: South Asian, 0.0011%; no homozygotes.

Submission:

Juno Genomics, Hangzhou Juno Genomics, Inc
Classification: Pathogenic for Glycogen storage disease, type II; Glycogen storage disease due to acid maltase deficiency, late-onset. Review status: criteria provided, single submitter. Criteria: ACMG Guidelines, 2015. Collection method: clinical testing. Allele origin: germline. Affected: yes.
Comment: Absent from controls (or at extremely low frequency if recessive) in Genome Aggregation Database.;Null variant in a gene where loss of function (LOF) is a known mechanism of disease.;For recessive disorders, detected in trans with a pathogenic variant.

NM_000152.5(GAA):c.1863G>A (p.Trp621Ter)

Gene: GAA (alpha glucosidase; plus strand). Cytogenetic location: 17q25.3.
Variant type: single nucleotide variant.
Coding change: c.1863G>A on transcript NM_000152.5 (MANE Select); coding-DNA position 1863, G replaced by A.
Protein change: p.Trp621Ter; replaces tryptophan 621 with a stop codon.
Molecular consequence: nonsense.
Genome position (GRCh38, 1-based): chr17:80,112,686, G>A. VCF-style: chr17-80112686-G-A. GRCh37 (hg19) VCF-style: chr17-78086485-G-A.
Other names: c.1863G>A, p.Trp621Ter (NM_001079803.3, NM_001079804.3, NM_001406741.1 and 1 more transcripts); short protein forms W621*.
Identifiers: ClinVar variation 5019978 (VCV005019978.1).